The following is an entry in ClinVar:

NM_000271.5(NPC1):c.2129del (p.Gln710fs)

Gene: NPC1 (NPC intracellular cholesterol transporter 1; minus strand). Cytogenetic location: 18q11.2.
Variant type: Deletion.
Coding change: c.2129del on transcript NM_000271.5 (MANE Select); coding-DNA position 2129, one base deleted (A; older notation c.2129delA).
Protein change: p.Gln710fs; shifts the reading frame from glutamine 710.
Molecular consequence: frameshift variant.
Genome position (GRCh38, 1-based): chr18:23,544,345, T deleted on the plus strand (A on the coding strand, the reverse complement: NPC1 is on the minus strand). VCF-style (leftmost placement, unchanged base first): chr18-23544344-CT-C. GRCh37 (hg19) VCF-style: chr18-21124308-CT-C.
Other names: short protein forms Q710fs.
Identifiers: ClinVar variation 1454777 (VCV001454777.7), dbSNP rs2058753352, ClinGen allele CA2290168034.

ClinVar aggregate classification (germline): Pathogenic. Review status: criteria provided, multiple submitters, no conflicts (2 of 4 stars). 3 submissions from 3 submitters: Pathogenic (3). Last evaluated 2024-11-11.

Conditions:
Niemann-Pick disease, type C (NPC). Identifiers: Orphanet 646, MedGen C0220756, MONDO:0018982.
Niemann-Pick disease, type C1. Also called: NIEMANN-PICK DISEASE, VARIANT TYPE C1; NEUROVISCERAL STORAGE DISEASE WITH VERTICAL SUPRANUCLEAR OPHTHALMOPLEGIA; NIEMANN-PICK DISEASE WITH CHOLESTEROL ESTERIFICATION BLOCK; NIEMANN-PICK DISEASE WITHOUT SPHINGOMYELINASE DEFICIENCY; NIEMANN-PICK DISEASE, CHRONIC NEURONOPATHIC FORM. Identifiers: Orphanet 646, MedGen C3179455, MONDO:0009757, OMIM 257220.

Allele frequency attached by ClinVar (database versions not stated): gnomAD exomes below 0.00001; TOPMed below 0.00001.

Submissions (3):

Labcorp Genetics (formerly Invitae), Labcorp
Classification: Pathogenic for Niemann-Pick disease, type C1. Last evaluated: 2024-11-11. Review status: criteria provided, single submitter. Criteria: Invitae Variant Classification Sherloc (09022015). Collection method: clinical testing. Allele origin: germline.
Comment: This sequence change creates a premature translational stop signal (p.Gln710Argfs*19) in the NPC1 gene. It is expected to result in an absent or disrupted protein product. Loss-of-function variants in NPC1 are known to be pathogenic (PMID: 9211850). This variant is not present in population databases (gnomAD no frequency). This premature translational stop signal has been observed in individual(s) with Niemann-Pick type C disease (PMID: 11479732). ClinVar contains an entry for this variant (Variation ID: 1454777). Algorithms developed to predict the effect of sequence changes on RNA splicing suggest that this variant may disrupt the consensus splice site. For these reasons, this variant has been classified as Pathogenic.

Myriad Genetics, Inc.
Classification: Pathogenic for Niemann-Pick disease, type C1. Last evaluated: 2024-06-04. Review status: criteria provided, single submitter. Criteria: Myriad Autosomal Dominant, Autosomal Recessive and X-Linked Classification Criteria (2023). Collection method: clinical testing. Allele origin: unknown.
Comment: NM_000271.4(NPC1):c.2129delA(Q710Rfs*19) is expected to be pathogenic in the context of Niemann-Pick disease type C1. This variant is predicted to lead to an abnormal or absent protein product due to the creation of a premature termination codon in NPC1, a gene where loss-of-function variants are known to be pathogenic. Please note: this variant was assessed in the context of healthy population screening.

Women's Health and Genetics/Laboratory Corporation of America, LabCorp
Classification: Pathogenic for Niemann-Pick disease, type C. Last evaluated: 2023-02-27. Review status: criteria provided, single submitter. Criteria: LabCorp Variant Classification Summary - May 2015. Collection method: clinical testing. Allele origin: germline.
Comment: Variant summary: NPC1 c.2129delA (p.Gln710ArgfsX19) results in a premature termination codon, predicted to cause a truncation of the encoded protein or absence of the protein due to nonsense mediated decay, which are commonly known mechanisms for disease. Truncations downstream of this position have been classified as pathogenic by our laboratory. Several computational tools also predict a significant impact on normal splicing: Three predict the variant abolishes a canonical 5' splicing donor site and one predicts the variant weakens the 5' donor site. However, these predictions have yet to be confirmed by functional studies. The variant was absent in 251276 control chromosomes (gnomAD). c.2129delA has been reported in the literature in at least one compound heterozygous individual and one homozygous individual affected with Niemann-Pick Disease Type C (e.g. Ribeiro_2001, Polese-Bonatto_2019, Kubaski_2022). These data indicate that the variant is likely associated with disease. To our knowledge, no experimental evidence demonstrating an impact on protein function has been reported. One clinical diagnostic laboratory has submitted a clinical-significance assessment for this variant to ClinVar after 2014 and classified the variant as pathogenic. Based on the evidence outlined above, the variant was classified as pathogenic.

Literature cited by the submitters: PubMed 9211850 (cited by Labcorp Genetics (formerly Invitae), Labcorp); PubMed 11479732 (cited by Labcorp Genetics (formerly Invitae), Labcorp and Women's Health and Genetics/Laboratory Corporation of America, LabCorp); PubMed 30820861 (cited by Women's Health and Genetics/Laboratory Corporation of America, LabCorp); PubMed 35892469 (cited by Women's Health and Genetics/Laboratory Corporation of America, LabCorp).